The following is an entry in ClinVar:

NM_001256789.3(CACNA1F):c.3511C>A (p.Arg1171Ser)

Gene: CACNA1F (calcium voltage-gated channel subunit alpha1 F; minus strand). Cytogenetic location: Xp11.23.
Variant type: single nucleotide variant.
Coding change: c.3511C>A on transcript NM_001256789.3 (MANE Select); coding-DNA position 3511, C replaced by A.
Protein change: p.Arg1171Ser; replaces arginine 1171 with serine.
Molecular consequence: missense variant.
Genome position (GRCh38, 1-based): chrX:49,215,172, G>T on the plus strand (C>A on the coding strand, the complement: CACNA1F is on the minus strand). VCF-style: chrX-49215172-G-T. GRCh37 (hg19) VCF-style: chrX-49071632-G-T.
Other names: c.3349C>A, p.Arg1117Ser (NM_001256790.3); c.3544C>A, p.Arg1182Ser (NM_005183.4); short protein forms R1171S, R1117S, R1182S.
Identifiers: ClinVar variation 2109195 (VCV002109195.4), dbSNP rs782492780, ClinGen allele CA412963201.

ClinVar aggregate classification (germline): Uncertain significance (1 of 4 stars; one submission).

Submission:

Labcorp Genetics (formerly Invitae), Labcorp
Classification: Uncertain significance. Last evaluated: 2022-08-16. Review status: criteria provided, single submitter. Criteria: Invitae Variant Classification Sherloc (09022015). Collection method: clinical testing. Allele origin: germline.
Comment: This variant has not been reported in the literature in individuals affected with CACNA1F-related conditions. In summary, the available evidence is currently insufficient to determine the role of this variant in disease. Therefore, it has been classified as a Variant of Uncertain Significance. Algorithms developed to predict the effect of missense changes on protein structure and function are either unavailable or do not agree on the potential impact of this missense change (SIFT: "Deleterious"; PolyPhen-2: "Benign"; Align-GVGD: "Class C0"). This variant is not present in population databases (gnomAD no frequency). This sequence change replaces arginine, which is basic and polar, with serine, which is neutral and polar, at codon 1182 of the CACNA1F protein (p.Arg1182Ser).